The following is an entry in ClinVar:

ClinVar aggregate classification (germline): Pathogenic (1 of 4 stars; one submission).

Submission:

GeneDx
Classification: Pathogenic. Last evaluated: 2014-09-15. Review status: criteria provided, single submitter. Criteria: GeneDx Variant Classification (06012015). Collection method: clinical testing. Allele origin: germline. Affected: yes.
Comment: c.1053dupT: p.Val352CysfsX5 (V352CfsX5) in exon 8 of the SCN1A gene (NM_001165963.1) The normal sequence with the base that is duplicated in braces is: ATGTG{T}GTGA. The c.1053dupT mutation in the SCN1A gene causes a frameshift starting with codon Valine 352, changes this amino acid to a Cysteine residue and creates a premature Stop codon at position 5 of the new reading frame, denoted p.Val352CysfsX5. This mutation is predicted to cause loss of normal protein function either through protein truncation or nonsense-mediated mRNA decay. Although this mutation has not been previously reported to our knowledge, other frameshift mutations in the SCN1A gene have been reported in association with SCN1A-related disorders in an external mutation database. Therefore, the presence of c.1053dupT is consistent with a diagnosis of a SCN1A-related disorder. The variant is found in EPILEPSY panel(s).

NM_001165963.4(SCN1A):c.1053dup (p.Val352fs)

Gene: SCN1A (sodium voltage-gated channel alpha subunit 1; minus strand). Cytogenetic location: 2q24.3.
Variant type: Duplication.
Coding change: c.1053dup on transcript NM_001165963.4 (MANE Select); coding-DNA position 1053, one base duplicated (T; older notation c.1053dupT).
Protein change: p.Val352fs; shifts the reading frame from valine 352.
Molecular consequence: frameshift variant. On other transcripts: 5 prime UTR variant (1), non-coding transcript variant (1).
Genome position (GRCh38, 1-based): chr2:166,047,744, A duplicated on the plus strand (T on the coding strand, the reverse complement: SCN1A is on the minus strand). VCF-style (leftmost placement, unchanged base first): chr2-166047743-C-CA. GRCh37 (hg19) VCF-style: chr2-166904253-C-CA.
Other names: c.1053dup, p.Val352fs (NM_001165964.3, NM_001202435.3, NM_001353948.2 and 10 more transcripts); c.-1373dup (NM_001353961.2); short protein forms V352fs.
Identifiers: ClinVar variation 206951 (VCV000206951.1), dbSNP rs796053106, ClinGen allele CA317837.